The following is an entry in ClinVar:

NM_001734.5(C1S):c.655C>T (p.Arg219Trp)

Gene: C1S (complement C1s; plus strand). Cytogenetic location: 12p13.31.
Variant type: single nucleotide variant.
Coding change: c.655C>T on transcript NM_001734.5 (MANE Select); coding-DNA position 655, C replaced by T.
Protein change: p.Arg219Trp; replaces arginine 219 with tryptophan.
Molecular consequence: missense variant.
Genome position (GRCh38, 1-based): chr12:7,065,237, C>T. VCF-style: chr12-7065237-C-T. GRCh37 (hg19) VCF-style: chr12-7172541-C-T.
Other names: c.154C>T, p.Arg52Trp (NM_001346850.2); c.655C>T, p.Arg219Trp (NM_201442.4); short protein forms R52W, R219W.
Identifiers: ClinVar variation 3717070 (VCV003717070.2).

ClinVar aggregate classification (germline): Uncertain significance (1 of 4 stars; one submission).

gnomAD v4.1: 26 of 1,613,856 alleles (0.0016%); highest among the groups gnomAD compares: African/African-American, 0.011%; no homozygotes.

Submission:

Labcorp Genetics (formerly Invitae), Labcorp
Classification: Uncertain significance. Last evaluated: 2024-08-27. Review status: criteria provided, single submitter. Criteria: Invitae Variant Classification Sherloc (09022015). Collection method: clinical testing. Allele origin: germline.
Comment: This sequence change replaces arginine, which is basic and polar, with tryptophan, which is neutral and slightly polar, at codon 219 of the C1S protein (p.Arg219Trp). This variant is present in population databases (rs781816938, gnomAD 0.006%). This variant has not been reported in the literature in individuals affected with C1S-related conditions. An algorithm developed to predict the effect of missense changes on protein structure and function (PolyPhen-2) suggests that this variant is likely to be disruptive. In summary, the available evidence is currently insufficient to determine the role of this variant in disease. Therefore, it has been classified as a Variant of Uncertain Significance.